The following is an entry in ClinVar:

ClinVar aggregate classification (germline): Pathogenic (1 of 4 stars; one submission).

Conditions:
Lynch syndrome 5 (LYNCH5). Also called: Colorectal cancer, hereditary nonpolyposis, type 5; Hereditary non-polyposis colorectal cancer, type 5. Identifiers: Orphanet 144, MedGen C1833477, MONDO:0013710, OMIM 614350. Disease mechanism: loss of function.

Allele frequency attached by ClinVar (database versions not stated): gnomAD exomes below 0.00001.

Submission:

Myriad Genetics, Inc.
Classification: Pathogenic for Lynch syndrome 5. Last evaluated: 2023-08-11. Review status: criteria provided, single submitter. Criteria: Myriad Autosomal Dominant, Autosomal Recessive and X-Linked Classification Criteria (2023). Collection method: clinical testing. Allele origin: unknown.
Comment: This variant is considered pathogenic. This variant creates a frameshift predicted to result in premature protein truncation.

NM_000179.3(MSH6):c.1324dup (p.Ile442fs)

Gene: MSH6 (mutS homolog 6; plus strand). Cytogenetic location: 2p16.3.
Variant type: Duplication.
Coding change: c.1324dup on transcript NM_000179.3 (MANE Select); coding-DNA position 1324, one base duplicated (A; older notation c.1324dupA).
Protein change: p.Ile442fs; shifts the reading frame from isoleucine 442.
Molecular consequence: frameshift variant. On other transcripts: non-coding transcript variant (4), intron variant (1).
Genome position (GRCh38, 1-based): chr2:47,799,307, A duplicated. VCF-style (leftmost placement, unchanged base first): chr2-47799306-T-TA. GRCh37 (hg19) VCF-style: chr2-48026445-T-TA.
Other names: c.628-1359dup (NM_001407362.1); c.934dup, p.Ile312fs (NM_001281492.2); c.418dup, p.Ile140fs (NM_001281493.2, NM_001281494.2, NM_001406811.1 and 6 more transcripts); c.1420dup, p.Ile474fs (NM_001406795.1, NM_001406802.1); c.1324dup, p.Ile442fs (NM_001406796.1, NM_001406798.1, NM_001406800.1 and 4 more transcripts); c.1027dup, p.Ile343fs (NM_001406797.1, NM_001406801.1, NM_001406805.1 and 10 more transcripts); c.799dup, p.Ile267fs (NM_001406799.1, NM_001406806.1, NM_001406807.1); c.1246dup, p.Ile416fs (NM_001406804.1); and 2 more; short protein forms I140fs, I267fs, I312fs, I343fs, I386fs, I416fs, I442fs, I444fs.
Identifiers: ClinVar variation 2673714 (VCV002673714.1), dbSNP rs2530603159, ClinGen allele CA2658948760.
Genomic context (GRCh38, chr2:47,799,306, plus strand): 5'-TGATCTTGTCATCTGTTACAAGGTGGGGAAATTTTATGAGCTGTACCACATGGATGCTCT[T>TA]ATTGGAGTCAGTGAACTGGGGCTGGTATTCATGAAAGGCAACTGGGCCCATTCTGGCTTT-3'